The following is an entry in ClinVar:

ClinVar aggregate classification (germline): Uncertain significance (1 of 4 stars; one submission).

Submission:

Medical Genetic Center, Changzhi Maternal and Child Health Care Hospital
Classification: Uncertain significance. Last evaluated: 2025-12-10. Review status: criteria provided, single submitter. Criteria: ACMG/ClinGen CNV Guidelines, 2019. Collection method: clinical testing. Allele origin: unknown.

GRCh38/hg38 2q14.1(chr2:112742286-112824256)x1

Genes: CKAP2L (cytoskeleton associated protein 2 like; minus strand), IL1A (interleukin 1 alpha; minus strand), NT5DC4 (5'-nucleotidase domain containing 4; plus strand), LOC112806038 (Sharpr-MPRA regulatory region 10892; plus strand), LOC121725099 (Sharpr-MPRA regulatory region 10273; plus strand) and 9 more. Cytogenetic location: 2q14.1.
Variant type: copy number loss.
Change: copy number 1 (one copy instead of two) of chr2:112,742,286-112,824,256 (82.0 kb, GRCh38 coordinates, 1-based), cytogenetic band 2q14.1.
Identifiers: ClinVar variation 4796251 (VCV004796251.1).